The following is an entry in ClinVar:

NM_000138.5(FBN1):c.2598_2601dup (p.Gly868fs)

Gene: FBN1 (fibrillin 1; minus strand). Cytogenetic location: 15q21.1.
Variant type: Duplication.
Coding change: c.2598_2601dup on transcript NM_000138.5 (MANE Select); coding-DNA positions 2598 to 2601, 4 bases duplicated (CAAT; older notation c.2598_2601dupCAAT).
Protein change: p.Gly868fs; shifts the reading frame from glycine 868.
Molecular consequence: frameshift variant.
Genome position (GRCh38, 1-based): chr15:48,495,199-48,495,202, ATTG duplicated on the plus strand (CAAT on the coding strand, the reverse complement: FBN1 is on the minus strand); duplicating any 4 consecutive bases within chr15:48,495,199-48,495,204 gives the same sequence; the c. name uses the placement nearest the transcript's 3' end. VCF-style (leftmost placement, unchanged base first): chr15-48495198-C-CATTG. GRCh37 (hg19) VCF-style: chr15-48787395-C-CATTG.
Other names: c.2598_2601dupCAAT (NM_000138.4); short protein forms G868fs.
Identifiers: ClinVar variation 280865 (VCV000280865.2), dbSNP rs1555399159, ClinGen allele CA10603340.

ClinVar aggregate classification (germline): Pathogenic (1 of 4 stars; one submission).

Submission:

GeneDx
Classification: Pathogenic. Last evaluated: 2016-09-21. Review status: criteria provided, single submitter. Criteria: GeneDx Variant Classification (06012015). Collection method: clinical testing. Allele origin: germline. Affected: yes.
Comment: Although the c.2598_2601dupCAAT pathogenic variant in the FBN1 gene has not been reported to our knowledge, this variant causes a shift in reading frame starting at codon Glycine 868, changing it to a Glutamine, and creating a premature stop codon at position 27 of the new reading frame, denoted p.Gly868GlnfsX27. This pathogenic variant is expected to result in either an abnormal, truncated protein product or loss of protein from this allele through nonsense-mediated mRNA decay. Other frameshift variants in the FBN1 gene have been reported in HGMD in association with FBN1-related disorders, including Marfan syndrome (Stenson et al., 2014). Furthermore, c.2598_2601dupCAAT was not observed in approximately 6,500 individuals of European and African American ancestry in the NHLBI Exome Sequencing Project, indicating it is not a common benign variant in these populations.In summary, c.2598_2601dupCAAT in the FBN1 gene is interpreted as a pathogenic variant.